The following is an entry in ClinVar:

ClinVar aggregate classification (germline): Likely benign. Review status: criteria provided, multiple submitters, no conflicts (2 of 4 stars). 4 submissions from 4 submitters: Likely benign (3). 1 of the submissions does not count toward it. Last evaluated 2026-04-06.

Conditions:
Cardiovascular phenotype. Identifiers: MedGen CN230736.
Familial thoracic aortic aneurysm and aortic dissection (TAAD). Also called: Thoracic aortic aneurysms and dissections. Identifiers: Orphanet 91387, MedGen C4707243, MONDO:0019625.
MAT2A-related disorder. Also called: MAT2A-related condition.

Allele frequency attached by ClinVar (database versions not stated): ExAC 0.00001; gnomAD 0.00001; TOPMed 0.00001; gnomAD exomes 0.00003.
gnomAD v4.1: 48 of 1,614,152 alleles (0.003%); highest among the groups gnomAD compares: Non-Finnish European, 0.0038%; no homozygotes.

Submissions (4):

Women's Health and Genetics/Laboratory Corporation of America, LabCorp
Classification: Likely benign. Last evaluated: 2026-04-06. Review status: criteria provided, single submitter. Criteria: LabCorp Variant Classification Summary - May 2015. Collection method: clinical testing. Allele origin: germline.

Labcorp Genetics (formerly Invitae), Labcorp
Classification: Likely benign for Familial thoracic aortic aneurysm and aortic dissection. Last evaluated: 2024-10-05. Review status: criteria provided, single submitter. Criteria: Invitae Variant Classification Sherloc (09022015). Collection method: clinical testing. Allele origin: germline.

Ambry Genetics
Classification: Likely benign for Cardiovascular phenotype. Last evaluated: 2022-08-08. Review status: criteria provided, single submitter. Criteria: Ambry Variant Classification Scheme 2023. Collection method: clinical testing. Allele origin: germline.

PreventionGenetics, part of Exact Sciences
Classification: Likely benign for MAT2A-related condition. Last evaluated: 2021-12-30. Review status: no assertion criteria provided. Collection method: clinical testing. Allele origin: germline. Not counted in ClinVar's aggregate classification.
Comment: This variant is classified as likely benign based on ACMG/AMP sequence variant interpretation guidelines (Richards et al. 2015 PMID: 25741868, with internal and published modifications).

NM_005911.6(MAT2A):c.480A>C (p.Leu160=)

Genes: GGCX (gamma-glutamyl carboxylase; minus strand), MAT2A (methionine adenosyltransferase 2A; plus strand). Cytogenetic location: 2p11.2.
Variant type: single nucleotide variant.
Coding change: c.480A>C on transcript NM_005911.6 (MANE Select); coding-DNA position 480, A replaced by C.
Protein change: p.Leu160=; no amino-acid change (leucine 160 retained).
Molecular consequence: synonymous variant.
Genome position (GRCh38, 1-based): chr2:85,541,903, A>C. VCF-style: chr2-85541903-A-C. GRCh37 (hg19) VCF-style: chr2-85769026-A-C.
Identifiers: ClinVar variation 1743241 (VCV001743241.8), dbSNP rs763696263, ClinGen allele CA1741420.
Genomic context (GRCh38, chr2:85,541,903, plus strand): 5'-CTATGCCACTGATGAAACTGAGGAGTGTATGCCTTTAACCATTGTCTTGGCACACAAGCT[A>C]AATGCCAAACTGGCAGAACTACGCCGTAATGGCACTTTGCCTTGGTTACGCCCTGATTCT-3'
Protein context (NP_005902.1, residues 150-170): MPLTIVLAHK[Leu160=]NAKLAELRRN